The following is an entry in ClinVar:

ClinVar aggregate classification (germline): Uncertain significance (1 of 4 stars; one submission).

Conditions:
Familial thoracic aortic aneurysm and aortic dissection (TAAD). Also called: Thoracic aortic aneurysms and dissections. Identifiers: Orphanet 91387, MedGen C4707243, MONDO:0019625.

Allele frequency attached by ClinVar (database versions not stated): gnomAD exomes below 0.00001.
gnomAD v4.1: 1 of 1,614,018 alleles (0.000062%); highest among the groups gnomAD compares: Non-Finnish European, 0.000085%; no homozygotes.

Submission:

Color Diagnostics, LLC DBA Color Health
Classification: Uncertain significance for Familial thoracic aortic aneurysm and aortic dissection. Last evaluated: 2023-03-28. Review status: criteria provided, single submitter. Criteria: ACMG Guidelines, 2015. Collection method: clinical testing. Allele origin: germline.
Comment: This missense variant replaces proline with leucine at codon 469 of the FBN1 protein. Computational prediction is inconclusive regarding the impact of this variant on protein structure and function (internally defined REVEL score threshold 0.5 < inconclusive < 0.7, PMID: 27666373). To our knowledge, functional studies have not been reported for this variant. This variant has not been reported in individuals affected with FBN1-related disorders in the literature. This variant has not been identified in the general population by the Genome Aggregation Database (gnomAD). The available evidence is insufficient to determine the role of this variant in disease conclusively. Therefore, this variant is classified as a Variant of Uncertain Significance.

NM_000138.5(FBN1):c.1406C>T (p.Pro469Leu)

Gene: FBN1 (fibrillin 1; minus strand). Cytogenetic location: 15q21.1.
Variant type: single nucleotide variant.
Coding change: c.1406C>T on transcript NM_000138.5 (MANE Select); coding-DNA position 1406, C replaced by T.
Protein change: p.Pro469Leu; replaces proline 469 with leucine.
Molecular consequence: missense variant.
Genome position (GRCh38, 1-based): chr15:48,515,449, G>A on the plus strand (C>T on the coding strand, the complement: FBN1 is on the minus strand). VCF-style: chr15-48515449-G-A. GRCh37 (hg19) VCF-style: chr15-48807646-G-A.
Other names: c.1406C>T, p.Pro469Leu (NM_001406716.1); short protein forms P469L.
Identifiers: ClinVar variation 2773388 (VCV002773388.2), dbSNP rs755899634, ClinGen allele CA392343789.